The following is an entry in ClinVar:

NM_024642.5(GALNT12):c.614G>A (p.Arg205Lys)

Gene: GALNT12 (polypeptide N-acetylgalactosaminyltransferase 12; plus strand). Cytogenetic location: 9q22.33.
Variant type: single nucleotide variant.
Coding change: c.614G>A on transcript NM_024642.5 (MANE Select); coding-DNA position 614, G replaced by A.
Protein change: p.Arg205Lys; replaces arginine 205 with lysine.
Molecular consequence: missense variant.
Genome position (GRCh38, 1-based): chr9:98,826,824, G>A. VCF-style: chr9-98826824-G-A. GRCh37 (hg19) VCF-style: chr9-101589106-G-A.
Other names: short protein forms R205K.
Identifiers: ClinVar variation 1751879 (VCV001751879.2), dbSNP rs2490501780, ClinGen allele CA374217516.
Genomic context (GRCh38, chr9:98,826,824, plus strand): 5'-AGCGCTTGGCCAATGAGCTTTCGGGACTGCCCAAGGTGCGCCTGATCCGCGCCAACAAGA[G>A]AGAGGGCCTGGTGCGAGCCCGGCTGCTGGGGGCGTCTGCGGCGAGGGGCGATGTTCTGAC-3'
Protein context (NP_078918.3, residues 195-215): PKVRLIRANK[Arg205Lys]EGLVRARLLG

ClinVar aggregate classification (germline): Uncertain significance (1 of 4 stars; one submission).

Submission:

Ambry Genetics
Classification: Uncertain significance. Last evaluated: 2021-06-11. Review status: criteria provided, single submitter. Criteria: Ambry Variant Classification Scheme 2023. Collection method: clinical testing. Allele origin: germline.
Comment: The p.R205K variant (also known as c.614G>A), located in coding exon 3 of the GALNT12 gene, results from a G to A substitution at nucleotide position 614. The arginine at codon 205 is replaced by lysine, an amino acid with highly similar properties. This amino acid position is conserved. In addition, the in silico prediction for this alteration is inconclusive. Since supporting evidence is limited at this time, the clinical significance of this alteration remains unclear.